The following is an entry in ClinVar:

ClinVar aggregate classification (germline): Uncertain significance (1 of 4 stars; one submission).

Conditions:
Hereditary cancer-predisposing syndrome. Also called: Neoplastic Syndromes, Hereditary; Tumor predisposition; Hereditary Cancer Syndrome; Hereditary neoplastic syndrome. Identifiers: Orphanet 140162, MedGen C0027672, MeSH D009386, MONDO:0015356.

Submission:

Ambry Genetics
Classification: Uncertain significance for Hereditary cancer-predisposing syndrome. Last evaluated: 2026-03-18. Review status: criteria provided, single submitter. Criteria: Ambry Variant Classification Scheme 2023. Collection method: clinical testing. Allele origin: germline.
Comment: The p.M485L variant (also known as c.1453A>T), located in coding exon 11 of the APC gene, results from an A to T substitution at nucleotide position 1453. The methionine at codon 485 is replaced by leucine, an amino acid with highly similar properties. This amino acid position is well conserved in available vertebrate species. In addition, in silico predictors for this gene do not accurately predict pathogenicity. Missense variants in APC are not a common cause of disease (Spier I et al. Genet Med. 2024 Feb;26(2):100992). Based on the available evidence, the clinical significance of this variant remains unclear.

NM_000038.6(APC):c.1453A>T (p.Met485Leu)

Gene: APC (APC regulator of Wnt signaling pathway; plus strand). Cytogenetic location: 5q22.2.
Variant type: single nucleotide variant.
Coding change: c.1453A>T on transcript NM_000038.6 (MANE Select); coding-DNA position 1453, A replaced by T.
Protein change: p.Met485Leu; replaces methionine 485 with leucine.
Molecular consequence: missense variant.
Genome position (GRCh38, 1-based): chr5:112,827,152, A>T. VCF-style: chr5-112827152-A-T. GRCh37 (hg19) VCF-style: chr5-112162849-A-T.
Other names: c.1453A>T, p.Met485Leu (NM_001354895.2, NM_001127510.3, NM_001407450.1); c.1507A>T, p.Met503Leu (NM_001354896.2, NM_001407447.1, NM_001407448.1 and 1 more transcripts); c.1483A>T, p.Met495Leu (NM_001354897.2); c.1378A>T, p.Met460Leu (NM_001354898.2); c.1369A>T, p.Met457Leu (NM_001354899.2); c.1330A>T, p.Met444Leu (NM_001354900.2); c.1276A>T, p.Met426Leu (NM_001354901.2, NM_001407453.1); c.1180A>T, p.Met394Leu (NM_001354902.2); and 11 more; short protein forms M101L, M202L, M325L, M356L, M359L, M384L, M394L, M402L.
Identifiers: ClinVar variation 4860793 (VCV004860793.1).